The following is an entry in ClinVar:

ClinVar aggregate classification (germline): Uncertain significance (1 of 4 stars; one submission).

Conditions:
Perlman syndrome (PRLMNS). Identifiers: Orphanet 2849, MedGen C0796113, MONDO:0009965, OMIM 267000.

Allele frequency attached by ClinVar (database versions not stated): gnomAD exomes below 0.00001; gnomAD 0.00001.
gnomAD v4.1: 2 of 1,610,814 alleles (0.00012%); highest among the groups gnomAD compares: African/African-American, 0.0013%; no homozygotes.

Submission:

Labcorp Genetics (formerly Invitae), Labcorp
Classification: Uncertain significance for Perlman syndrome. Last evaluated: 2021-07-24. Review status: criteria provided, single submitter. Criteria: Invitae Variant Classification Sherloc (09022015). Collection method: clinical testing. Allele origin: germline.
Comment: This sequence change falls in intron 6 of the DIS3L2 gene. It does not directly change the encoded amino acid sequence of the DIS3L2 protein. It affects a nucleotide within the consensus splice site of the intron. This variant is not present in population databases (ExAC no frequency). This variant has not been reported in the literature in individuals affected with DIS3L2-related conditions. Nucleotide substitutions within the consensus splice site are a relatively common cause of aberrant splicing (PMID: 17576681, 9536098). Algorithms developed to predict the effect of sequence changes on RNA splicing suggest that this variant is not likely to affect RNA splicing. In summary, the available evidence is currently insufficient to determine the role of this variant in disease. Therefore, it has been classified as a Variant of Uncertain Significance.

Literature cited by the submitters: PubMed 17576681; PubMed 9536098.

NM_152383.5(DIS3L2):c.601+3G>A

Gene: DIS3L2 (DIS3 like 3'-5' exoribonuclease 2; plus strand). Cytogenetic location: 2q37.1.
Variant type: single nucleotide variant.
Coding change: c.601+3G>A on transcript NM_152383.5 (MANE Select); 3 bases into the intron after coding-DNA position 601, G replaced by A.
Molecular consequence: intron variant.
Genome position (GRCh38, 1-based): chr2:232,087,724, G>A. VCF-style: chr2-232087724-G-A. GRCh37 (hg19) VCF-style: chr2-232952434-G-A.
Other names: c.601+3G>A (NM_001257281.2, NM_001257282.2).
Identifiers: ClinVar variation 1434907 (VCV001434907.6), dbSNP rs1696707042, ClinGen allele CA1043419227.
Genomic context (GRCh38, chr2:232,087,724, plus strand): 5'-ACACAAAATGTGCTGGTTGATGGTGTTAAGAAACTCTCAGTTTGTGTTTCTGAGAAAGGT[G>A]AGTACTAGACTATTGTCTTACTTTTTTTTTAAGTACACTGATTAAGTATTGGAATTCCCT-3'